The following is an entry in ClinVar:

NM_000334.4(SCN4A):c.2587G>A (p.Gly863Arg)

Genes: GH-LCR (growth hormone locus control region; plus strand), SCN4A (sodium voltage-gated channel alpha subunit 4; minus strand). Cytogenetic location: 17q23.3.
Variant type: single nucleotide variant.
Coding change: c.2587G>A on transcript NM_000334.4 (MANE Select); coding-DNA position 2587, G replaced by A.
Protein change: p.Gly863Arg; replaces glycine 863 with arginine.
Molecular consequence: missense variant.
Genome position (GRCh38, 1-based): chr17:63,951,690, C>T on the plus strand (G>A on the coding strand, the complement: SCN4A is on the minus strand). VCF-style: chr17-63951690-C-T. GRCh37 (hg19) VCF-style: chr17-62029050-C-T.
Other names: short protein forms G863R.
Identifiers: ClinVar variation 1320607 (VCV001320607.5), dbSNP rs752706137, ClinGen allele CA8709557.

ClinVar aggregate classification (germline): Uncertain significance. Review status: criteria provided, multiple submitters, no conflicts (2 of 4 stars). 2 submissions from 2 submitters: Uncertain significance (2). Last evaluated 2023-04-09.

Conditions:
Hyperkalemic periodic paralysis. Also called: Familial hyperkalemic periodic paralysis; Gamstorp disease. Identifiers: Orphanet 682, MedGen C0238357, MONDO:0008224, OMIM 170500, HP:0007215.

Allele frequency attached by ClinVar (database versions not stated): gnomAD exomes 0.00001; ExAC 0.00002; TOPMed 0.00002.
gnomAD v4.1: 8 of 1,602,070 alleles (0.0005%); highest among the groups gnomAD compares: Admixed American, 0.0035%; no homozygotes.

Submissions (2):

Labcorp Genetics (formerly Invitae), Labcorp
Classification: Uncertain significance for Hyperkalemic periodic paralysis. Last evaluated: 2023-04-09. Review status: criteria provided, single submitter. Criteria: Invitae Variant Classification Sherloc (09022015). Collection method: clinical testing. Allele origin: germline.
Comment: Advanced modeling of protein sequence and biophysical properties (such as structural, functional, and spatial information, amino acid conservation, physicochemical variation, residue mobility, and thermodynamic stability) performed at Invitae indicates that this missense variant is not expected to disrupt SCN4A protein function. This sequence change replaces glycine, which is neutral and non-polar, with arginine, which is basic and polar, at codon 863 of the SCN4A protein (p.Gly863Arg). This variant is present in population databases (rs752706137, gnomAD 0.007%). This variant has not been reported in the literature in individuals affected with SCN4A-related conditions. ClinVar contains an entry for this variant (Variation ID: 1320607). In summary, the available evidence is currently insufficient to determine the role of this variant in disease. Therefore, it has been classified as a Variant of Uncertain Significance.

GeneDx
Classification: Uncertain significance. Last evaluated: 2021-10-29. Review status: criteria provided, single submitter. Criteria: GeneDx Variant Classification Process June 2021. Collection method: clinical testing. Allele origin: germline. Affected: yes.
Comment: Not observed at significant frequency in large population cohorts (Lek et al., 2016); In silico analysis supports that this missense variant does not alter protein structure/function; In vitro functional studies suggest that p.(G863R) has no impact on voltage gated channel activity and has expression levels similar to wild type, however additional studies are needed to validate the functional effect of this variant (Mannikko et al., 2018); Identified as a de novo variant in an individual with autism spectrum disorder, however additional de novo variants were also reported in this individual and no additional clinical information was provided (Iossifov et al., 2014); This variant is associated with the following publications: (PMID: 34011629, 31785789, 29605429, 28714951, 25363768)